The following is an entry in ClinVar:

NM_198535.3(ZNF699):c.175+1G>A

Gene: ZNF699 (zinc finger protein 699; minus strand). Cytogenetic location: 19p13.2.
Variant type: single nucleotide variant.
Coding change: c.175+1G>A on transcript NM_198535.3 (MANE Select); the canonical splice donor site of the intron after coding-DNA position 175, G replaced by A.
Molecular consequence: splice donor variant.
Genome position (GRCh38, 1-based): chr19:9,302,377, C>T on the plus strand (G>A on the coding strand, the complement: ZNF699 is on the minus strand). VCF-style: chr19-9302377-C-T. GRCh37 (hg19) VCF-style: chr19-9413053-C-T.
Other names: p.?.
Identifiers: ClinVar variation 986384 (VCV000986384.2), dbSNP rs749115647, ClinGen allele CA9176217.

ClinVar aggregate classification (germline): Conflicting classifications of pathogenicity. Review status: criteria provided, conflicting classifications (1 of 4 stars). 2 submissions from 2 submitters: Pathogenic (1); Uncertain significance (1). Last evaluated 2024-02-01.

Conditions:
Diamond-Blackfan anemia. Also called: Blackfan Diamond syndrome; Aregenerative anemia chronic congenital; Red cell aplasia, pure hereditary; Congenital hypoplastic anemia; Aase syndrome. Identifiers: Orphanet 124, MedGen C1260899, MeSH D029503, MONDO:0015253, HP:0004810.
DEGCAGS syndrome. Also called: DEVELOPMENTAL DELAY WITH GASTROINTESTINAL, CARDIOVASCULAR, GENITOURINARY, AND SKELETAL ABNORMALITIES. Identifiers: MedGen C5561967, MONDO:0859181, OMIM 619488.

Allele frequency attached by ClinVar (database versions not stated): gnomAD exomes below 0.00001; ExAC 0.00001.
gnomAD v4.1: 1 of 1,613,590 alleles (0.000062%); highest among the groups gnomAD compares: South Asian, 0.0011%; no homozygotes.

Submissions (2):

Center for Medical Genetics and Molecular Medicine, Haukeland University Hospital
Classification: Pathogenic for DEGCAGS syndrome. Last evaluated: 2024-02-01. Review status: criteria provided, single submitter. Criteria: ACMG Guidelines, 2015. Collection method: clinical testing. Allele origin: germline. Inheritance: Autosomal recessive inheritance. Affected: yes.
Comment: ACMG subscores: PVS1, PM2_sup, PM3_sup

Broad Center for Mendelian Genomics, Broad Institute of MIT and Harvard
Classification: Uncertain significance for Diamond-Blackfan anemia. Last evaluated: 2020-11-16. Review status: criteria provided, single submitter. Criteria: ACMG Guidelines, 2015. Collection method: curation. Allele origin: germline. Inheritance: Autosomal recessive inheritance.
Comment: The variant has not been previously reported in individuals with Diamond-Blackfan anemia but has been identified in 0.003% (1/30612) of South Asian chromosomes by the Genome Aggregation Database (gnomAD; dbSNP ID: rs749115647). Although this variant has been seen in the general population, its frequency is low enough to be consistent with a recessive carrier frequency. This variant occurs in the invariant region (+/- 1/2) of the splice consensus sequence and is predicted to cause altered splicing leading to an abnormal or absent protein. It is of note that loss of function of ZNF699 in an autosomal recessive disease has not yet been established based on the criteria laid out in Tayoun et al., 2018 (PMID: 30192042). Furthermore, although this gene has been reported in association with Diamond-Blackfan anemia, it currently has limited evidence for these associations. In summary, the clinical significance of the c.175+1G>A variant is uncertain.